The following is an entry in ClinVar:

ClinVar aggregate classification (germline): Uncertain significance (1 of 4 stars; one submission).

Conditions:
Intellectual disability, autosomal recessive 42 (NEDDSBA). Also called: GLYCOSYLPHOSPHATIDYLINOSITOL BIOSYNTHESIS DEFECT 9; Neurodevelopmental disorder with dysmorphic features, spasticity, and brain abnormalities. Identifiers: Orphanet 88616, MedGen C4014343, MONDO:0014348, OMIM 615802.

Allele frequency attached by ClinVar (database versions not stated): gnomAD 0.00001; ExAC 0.00002.
gnomAD v4.1: 25 of 1,613,474 alleles (0.0015%); highest among the groups gnomAD compares: Middle Eastern, 0.12%; no homozygotes.

Submission:

Labcorp Genetics (formerly Invitae), Labcorp
Classification: Uncertain significance for Intellectual disability, autosomal recessive 42. Last evaluated: 2023-08-24. Review status: criteria provided, single submitter. Criteria: Invitae Variant Classification Sherloc (09022015). Collection method: clinical testing. Allele origin: germline.
Comment: This sequence change replaces serine, which is neutral and polar, with asparagine, which is neutral and polar, at codon 139 of the PGAP1 protein (p.Ser139Asn). This variant is present in population databases (rs201030311, gnomAD 0.009%). This variant has not been reported in the literature in individuals affected with PGAP1-related conditions. ClinVar contains an entry for this variant (Variation ID: 2189618). Advanced modeling of protein sequence and biophysical properties (such as structural, functional, and spatial information, amino acid conservation, physicochemical variation, residue mobility, and thermodynamic stability) performed at Invitae indicates that this missense variant is expected to disrupt PGAP1 protein function. In summary, the available evidence is currently insufficient to determine the role of this variant in disease. Therefore, it has been classified as a Variant of Uncertain Significance.

NM_024989.4(PGAP1):c.416G>A (p.Ser139Asn)

Gene: PGAP1 (post-GPI attachment to proteins inositol deacylase 1; minus strand). Cytogenetic location: 2q33.1.
Variant type: single nucleotide variant.
Coding change: c.416G>A on transcript NM_024989.4 (MANE Select); coding-DNA position 416, G replaced by A.
Protein change: p.Ser139Asn; replaces serine 139 with asparagine.
Molecular consequence: missense variant. On other transcripts: 5 prime UTR variant (2).
Genome position (GRCh38, 1-based): chr2:196,916,479, C>T on the plus strand (G>A on the coding strand, the complement: PGAP1 is on the minus strand). VCF-style: chr2-196916479-C-T. GRCh37 (hg19) VCF-style: chr2-197781203-C-T.
Other names: c.-107G>A (NM_001321099.2); c.-696G>A (NM_001321100.2); short protein forms S139N.
Identifiers: ClinVar variation 2189618 (VCV002189618.2), dbSNP rs201030311, ClinGen allele CA2041213.